The following is an entry in ClinVar:

ClinVar aggregate classification (germline): Uncertain significance. Review status: criteria provided, multiple submitters, no conflicts (2 of 4 stars). 2 submissions from 2 submitters: Uncertain significance (2). Last evaluated 2026-08-06.

Conditions:
Isolated microphthalmia 5. Also called: Posterior Microphthalmia with Retinitis Pigmentosa, Foveoschisis, and Optic Disc Drusen. Identifiers: Orphanet 251279, MedGen C1970236, MONDO:0012605, OMIM 611040.

Allele frequency attached by ClinVar (database versions not stated): TOPMed below 0.00001.
gnomAD v4.1: 11 of 1,613,426 alleles (0.00068%); highest among the groups gnomAD compares: Admixed American, 0.0067%; no homozygotes.

Submissions (2):

OLLIN Analises Genomicas, OLLIN
Classification: Uncertain significance for Isolated microphthalmia 5. Last evaluated: 2026-08-06. Review status: criteria provided, single submitter. Criteria: ACMG Guidelines 2015 PMID 25741868. Collection method: clinical testing. Allele origin: germline.
Comment: This missense variant, located in exon 9 (of 15), has been reported in ClinVar (accession VCV001480578.5) and in gnomAD with an allele frequency of 0.00068%. However, to our knowledge, it has not been reported in the scientific literature. In silico analysis predicts that this variant has a tolerated effect. According to the currently available evidence, this variant has been classified as uncertain significance (PM2_P, BP4_M).

Labcorp Genetics (formerly Invitae), Labcorp
Classification: Uncertain significance for Isolated microphthalmia 5. Last evaluated: 2023-12-18. Review status: criteria provided, single submitter. Criteria: Invitae Variant Classification Sherloc (09022015). Collection method: clinical testing. Allele origin: germline.
Comment: This sequence change replaces glutamic acid, which is acidic and polar, with lysine, which is basic and polar, at codon 340 of the MFRP protein (p.Glu340Lys). This variant is present in population databases (no rsID available, gnomAD 0.006%). This variant has not been reported in the literature in individuals affected with MFRP-related conditions. ClinVar contains an entry for this variant (Variation ID: 1480578). Advanced modeling of protein sequence and biophysical properties (such as structural, functional, and spatial information, amino acid conservation, physicochemical variation, residue mobility, and thermodynamic stability) performed at Invitae indicates that this missense variant is not expected to disrupt MFRP protein function with a negative predictive value of 80%. In summary, the available evidence is currently insufficient to determine the role of this variant in disease. Therefore, it has been classified as a Variant of Uncertain Significance.

NM_031433.4(MFRP):c.1018G>A (p.Glu340Lys)

Genes: C1QTNF5 (C1q and TNF related 5; minus strand), MFRP (membrane frizzled-related protein; minus strand). Cytogenetic location: 11q23.3.
Variant type: single nucleotide variant.
Coding change: c.1018G>A on transcript NM_031433.4 (MANE Select); coding-DNA position 1018, G replaced by A.
Protein change: p.Glu340Lys; replaces glutamic acid 340 with lysine.
Molecular consequence: missense variant. On other transcripts: 5 prime UTR variant (1).
Genome position (GRCh38, 1-based): chr11:119,343,922, C>T on the plus strand (G>A on the coding strand, the complement: MFRP is on the minus strand). VCF-style: chr11-119343922-C-T. GRCh37 (hg19) VCF-style: chr11-119214632-C-T.
Other names: c.-1619G>A (NM_015645.5); short protein forms E340K.
Identifiers: ClinVar variation 1480578 (VCV001480578.6), dbSNP rs777183737, ClinGen allele CA229677097.